The following is an entry in ClinVar:

ClinVar aggregate classification (germline): Uncertain significance. Review status: criteria provided, multiple submitters, no conflicts (2 of 4 stars). 2 submissions from 2 submitters: Uncertain significance (2). Last evaluated 2025-02-20.

Conditions:
Hereditary cancer-predisposing syndrome. Also called: Hereditary Cancer Syndrome; Tumor predisposition; Hereditary neoplastic syndrome; Neoplastic Syndromes, Hereditary. Identifiers: Orphanet 140162, MedGen C0027672, MeSH D009386, MONDO:0015356.

Submissions (2):

Ambry Genetics
Classification: Uncertain significance for Hereditary cancer-predisposing syndrome. Last evaluated: 2025-02-20. Review status: criteria provided, single submitter. Criteria: Ambry Variant Classification Scheme 2023. Collection method: clinical testing. Allele origin: germline.
Comment: The p.R8G variant (also known as c.22C>G), located in coding exon 1 of the POLE gene, results from a C to G substitution at nucleotide position 22. The arginine at codon 8 is replaced by glycine, an amino acid with dissimilar properties. This amino acid position is well conserved in available vertebrate species. In addition, this alteration is predicted to be tolerated by in silico analysis. Based on the available evidence, the clinical significance of this variant remains unclear.

Labcorp Genetics (formerly Invitae), Labcorp
Classification: Uncertain significance. Last evaluated: 2023-11-15. Review status: criteria provided, single submitter. Criteria: Invitae Variant Classification Sherloc (09022015). Collection method: clinical testing. Allele origin: germline.
Comment: This sequence change replaces arginine, which is basic and polar, with glycine, which is neutral and non-polar, at codon 8 of the POLE protein (p.Arg8Gly). This variant is not present in population databases (gnomAD no frequency). This variant has not been reported in the literature in individuals affected with POLE-related conditions. ClinVar contains an entry for this variant (Variation ID: 645947). Experimental studies and prediction algorithms are not available or were not evaluated, and the functional significance of this variant is currently unknown. In summary, the available evidence is currently insufficient to determine the role of this variant in disease. Therefore, it has been classified as a Variant of Uncertain Significance.

NM_006231.4(POLE):c.22C>G (p.Arg8Gly)

Genes: POLE (DNA polymerase epsilon, catalytic subunit; minus strand), LOC130009266 (ATAC-STARR-seq lymphoblastoid silent region 5123; plus strand). Cytogenetic location: 12q24.33.
Variant type: single nucleotide variant.
Coding change: c.22C>G on transcript NM_006231.4 (MANE Select); coding-DNA position 22, C replaced by G.
Protein change: p.Arg8Gly; replaces arginine 8 with glycine.
Molecular consequence: missense variant.
Genome position (GRCh38, 1-based): chr12:132,687,294, G>C on the plus strand (C>G on the coding strand, the complement: POLE is on the minus strand). VCF-style: chr12-132687294-G-C. GRCh37 (hg19) VCF-style: chr12-133263880-G-C.
Other names: c.22C>G (NM_006231.2); short protein forms R8G.
Identifiers: ClinVar variation 645947 (VCV000645947.12), dbSNP rs1196946399, ClinGen allele CA387373480.